The following is an entry in ClinVar:

NM_020686.6(ABAT):c.1054G>A (p.Val352Met)

Gene: ABAT (4-aminobutyrate aminotransferase; plus strand). Cytogenetic location: 16p13.2.
Variant type: single nucleotide variant.
Coding change: c.1054G>A on transcript NM_020686.6 (MANE Select); coding-DNA position 1054, G replaced by A.
Protein change: p.Val352Met; replaces valine 352 with methionine.
Molecular consequence: missense variant.
Genome position (GRCh38, 1-based): chr16:8,774,989, G>A. VCF-style: chr16-8774989-G-A. GRCh37 (hg19) VCF-style: chr16-8868846-G-A.
Other names: c.1054G>A, p.Val352Met (NM_000663.5, NM_001127448.2, NM_001386600.1 and 6 more transcripts); c.1015G>A, p.Val339Met (NM_001386605.1); c.991G>A, p.Val331Met (NM_001386606.1, NM_001386607.1); c.961G>A, p.Val321Met (NM_001386608.1); c.919G>A, p.Val307Met (NM_001386610.1, NM_001386611.1); c.856G>A, p.Val286Met (NM_001386612.1, NM_001386613.1); c.808G>A, p.Val270Met (NM_001386614.1); c.1150G>A, p.Val384Met (NM_001386615.1); short protein forms V352M, V270M, V286M, V307M, V321M, V331M, V339M, V384M.
Identifiers: ClinVar variation 321083 (VCV000321083.7), dbSNP rs775462540, ClinGen allele CA7893407.
Genomic context (GRCh38, chr16:8,774,989, plus strand): 5'-GGAGGCTGCACGGGCAAGTTCTGGGCCCATGAGCACTGGGGCCTGGATGACCCAGCAGAC[G>A]TGATGACCTTCAGCAAGAAGATGATGACTGGGGGCTTCTTCCACAAGGAGGAGTTCAGGC-3'
Protein context (NP_065737.2, residues 342-362): EHWGLDDPAD[Val352Met]MTFSKKMMTG

ClinVar aggregate classification (germline): Uncertain significance. Review status: criteria provided, multiple submitters, no conflicts (2 of 4 stars). 3 submissions from 3 submitters: Uncertain significance (3). Last evaluated 2022-03-05.

Conditions:
Gamma-aminobutyric acid transaminase deficiency (GABATD). Also called: GABA aminotransaminase deficiency; GABA transaminase deficiency; Gamma aminobutyrate transaminase deficiency; 4 alpha aminobutyrate transaminase deficiency. Identifiers: Orphanet 2066, MedGen C0342708, MONDO:0013166, OMIM 613163.
Inborn genetic diseases. Identifiers: MedGen C0950123, MeSH D030342.

Allele frequency attached by ClinVar (database versions not stated): ExAC 0.00001; gnomAD 0.00002 and 0.00003; TOPMed 0.00002.
gnomAD v4.1: 21 of 1,614,126 alleles (0.0013%); highest among the groups gnomAD compares: African/African-American, 0.0027%; no homozygotes.

Submissions (3):

Labcorp Genetics (formerly Invitae), Labcorp
Classification: Uncertain significance for Gamma-aminobutyric acid transaminase deficiency. Last evaluated: 2022-03-05. Review status: criteria provided, single submitter. Criteria: Invitae Variant Classification Sherloc (09022015). Collection method: clinical testing. Allele origin: germline.
Comment: This sequence change replaces valine, which is neutral and non-polar, with methionine, which is neutral and non-polar, at codon 352 of the ABAT protein (p.Val352Met). This variant is present in population databases (rs775462540, gnomAD 0.002%). This variant has not been reported in the literature in individuals affected with ABAT-related conditions. ClinVar contains an entry for this variant (Variation ID: 321083). Algorithms developed to predict the effect of missense changes on protein structure and function (SIFT, PolyPhen-2, Align-GVGD) all suggest that this variant is likely to be tolerated. In summary, the available evidence is currently insufficient to determine the role of this variant in disease. Therefore, it has been classified as a Variant of Uncertain Significance.

Ambry Genetics
Classification: Uncertain significance for Inborn genetic diseases. Last evaluated: 2021-08-13. Review status: criteria provided, single submitter. Criteria: Ambry Variant Classification Scheme 2023. Collection method: clinical testing. Allele origin: germline.

Illumina Laboratory Services, Illumina
Classification: Uncertain significance for Gamma-aminobutyric acid transaminase deficiency. Last evaluated: 2018-01-13. Review status: criteria provided, single submitter. Criteria: ICSL Variant Classification Criteria 13 December 2019. Collection method: clinical testing. Allele origin: germline.